The following is an entry in ClinVar:

ClinVar aggregate classification (germline): Benign. Review status: criteria provided, multiple submitters, no conflicts (2 of 4 stars). 2 submissions from 2 submitters: Benign (2). Last evaluated 2018-01-13.

Conditions:
Retinitis pigmentosa (RP). Identifiers: Orphanet 791, MedGen C0035334, MeSH D012174, MONDO:0019200, OMIM 268000. Inheritance: Autosomal dominant, autosomal recessive and X linked inheritance.

Allele frequency attached by ClinVar (database versions not stated): 1000 Genomes Project 0.99141; TOPMed 0.99222; gnomAD 0.99241 and 0.99285; gnomAD exomes 0.99775 and 0.99877; ExAC 0.99823.
gnomAD v4.1: 452,487 of 453,948 alleles (100%); highest among the groups gnomAD compares: Non-Finnish European, 100%; 225,533 homozygotes.

Submissions (2):

Illumina Laboratory Services, Illumina
Classification: Benign for Retinitis pigmentosa. Last evaluated: 2018-01-13. Review status: criteria provided, single submitter. Criteria: ICSL Variant Classification Criteria 13 December 2019. Collection method: clinical testing. Allele origin: germline.
Comment: This variant was observed in the ICSL laboratory as part of a predisposition screen in an ostensibly healthy population. It had not been previously curated by ICSL or reported in the Human Gene Mutation Database (HGMD: prior to June 1st, 2018), and was therefore a candidate for classification through an automated scoring system. Utilizing variant allele frequency, disease prevalence and penetrance estimates, and inheritance mode, an automated score was calculated to assess if this variant is too frequent to cause the disease. Based on the score and internal cut-off values, a variant classified as benign is not then subjected to further curation. The score for this variant resulted in a classification of benign for this disease.

Breakthrough Genomics
Classification: Benign. Review status: criteria provided, single submitter. Criteria: ACMG Guidelines, 2015. Collection method: not provided. Allele origin: germline. Inheritance: Autosomal recessive inheritance. Affected: yes.

NM_201548.5(CERKL):c.*880G>A

Genes: CERKL (CERK like autophagy regulator; minus strand), ITGA4 (integrin subunit alpha 4; plus strand). Cytogenetic location: 2q31.3.
Variant type: single nucleotide variant.
Coding change: c.*880G>A on transcript NM_201548.5 (MANE Select); 880 bases downstream of the stop codon, G replaced by A.
Molecular consequence: 3 prime UTR variant. On other transcripts: non-coding transcript variant (2).
Genome position (GRCh38, 1-based): chr2:181,537,304, C>T on the plus strand (G>A on the coding strand, the complement: CERKL is on the minus strand). VCF-style: chr2-181537304-C-T. GRCh37 (hg19) VCF-style: chr2-182402031-C-T.
Other names: c.*1777C>T (NM_000885.6); c.*880G>A (NM_001030311.3, NM_001030312.3, NM_001030313.3 and 1 more transcripts).
Identifiers: ClinVar variation 332987 (VCV000332987.6), dbSNP rs1037623, ClinGen allele CA2010269.
Genomic context (GRCh38, chr2:181,537,304, plus strand): 5'-TTTACATTTGGTTCTTTCCTACTCAGAACTACTCAGAAACAACTATATATTTCAGGTTAT[C>T]TGAGCACAGTGAAAGCAGAGTACTATGGTTGTCCAACACAGGCCTCTCAGATACAAGGGG-3'